The following is an entry in ClinVar:

NM_021254.4(CFAP298):c.757C>T (p.Leu253Phe)

Genes: CFAP298 (cilia and flagella associated protein 298; minus strand), CFAP298-TCP10L (CFAP298-TCP10L readthrough; minus strand). Cytogenetic location: 21q22.11.
Variant type: single nucleotide variant.
Coding change: c.757C>T on transcript NM_021254.4 (MANE Select); coding-DNA position 757, C replaced by T.
Protein change: p.Leu253Phe; replaces leucine 253 with phenylalanine.
Molecular consequence: missense variant. On other transcripts: 3 prime UTR variant (1), intron variant (2).
Genome position (GRCh38, 1-based): chr21:32,602,277, G>A on the plus strand (C>T on the coding strand, the complement: CFAP298 is on the minus strand). VCF-style: chr21-32602277-G-A. GRCh37 (hg19) VCF-style: chr21-33974587-G-A.
Other names: c.460C>T, p.Leu154Phe (NM_001350334.2); c.*812C>T (NM_001350335.2); c.757C>T, p.Leu253Phe (NM_001350337.2); c.666+884C>T (NM_001350338.2); c.667-304C>T (NM_001350336.2); short protein forms L154F, L253F.
Identifiers: ClinVar variation 3684733 (VCV003684733.2).

ClinVar aggregate classification (germline): Uncertain significance (1 of 4 stars; one submission).

Submission:

Labcorp Genetics (formerly Invitae), Labcorp
Classification: Uncertain significance. Last evaluated: 2024-02-19. Review status: criteria provided, single submitter. Criteria: Invitae Variant Classification Sherloc (09022015). Collection method: clinical testing. Allele origin: germline.
Comment: This sequence change replaces leucine, which is neutral and non-polar, with phenylalanine, which is neutral and non-polar, at codon 253 of the CFAP298 protein (p.Leu253Phe). This variant is not present in population databases (gnomAD no frequency). This variant has not been reported in the literature in individuals affected with CFAP298-related conditions. An algorithm developed to predict the effect of missense changes on protein structure and function (PolyPhen-2) suggests that this variant is likely to be tolerated. In summary, the available evidence is currently insufficient to determine the role of this variant in disease. Therefore, it has been classified as a Variant of Uncertain Significance.